The following is an entry in ClinVar:

ClinVar aggregate classification (germline): Likely benign. Review status: criteria provided, multiple submitters, no conflicts (2 of 4 stars). 2 submissions from 2 submitters: Likely benign (2). Last evaluated 2024-08-14.

Conditions:
Dilated cardiomyopathy 1G (CMD1G). Identifiers: Orphanet 154, MedGen C1858763, MONDO:0011400, OMIM 604145.
Autosomal recessive limb-girdle muscular dystrophy type 2J (LGMDR10). Also called: Limb-girdle muscular dystrophy, type 2J; MUSCULAR DYSTROPHY, LIMB-GIRDLE, AUTOSOMAL RECESSIVE 10. Identifiers: Orphanet 140922, MedGen C1837342, MONDO:0012127, OMIM 608807.

Allele frequency attached by ClinVar (database versions not stated): gnomAD exomes below 0.00001; TOPMed below 0.00001.
gnomAD v4.1: 2 of 1,608,832 alleles (0.00012%); highest among the groups gnomAD compares: Non-Finnish European, 0.00017%; no homozygotes.

Submissions (2):

Labcorp Genetics (formerly Invitae), Labcorp
Classification: Likely benign for Dilated cardiomyopathy 1G; Autosomal recessive limb-girdle muscular dystrophy type 2J. Last evaluated: 2024-08-14. Review status: criteria provided, single submitter. Criteria: Invitae Variant Classification Sherloc (09022015). Collection method: clinical testing. Allele origin: germline.

Laboratory for Molecular Medicine, Mass General Brigham Personalized Medicine
Classification: Likely benign. Last evaluated: 2012-12-06. Review status: criteria provided, single submitter. Criteria: LMM Criteria. Collection method: clinical testing. Allele origin: germline. Observed: 1 variant allele.
Comment: Val8039Val in exon 93 of TTN: This variant is not expected to have clinical sign ificance because it does not alter an amino acid residue and is not located with in the splice consensus sequence. Val8039Val in exon 93 of TTN (allele frequenc y = n/a)

NM_001267550.2(TTN):c.27849G>A (p.Val9283=)

Gene: TTN (titin; minus strand). Cytogenetic location: 2q31.2.
Variant type: single nucleotide variant.
Coding change: c.27849G>A on transcript NM_001267550.2 (MANE Select); coding-DNA position 27849, G replaced by A.
Protein change: p.Val9283=; no amino-acid change (valine 9283 retained).
Molecular consequence: synonymous variant. On other transcripts: intron variant (3).
Genome position (GRCh38, 1-based): chr2:178,711,981, C>T on the plus strand (G>A on the coding strand, the complement: TTN is on the minus strand). VCF-style: chr2-178711981-C-T. GRCh37 (hg19) VCF-style: chr2-179576708-C-T.
Other names: c.26898G>A, p.Val8966= (NM_001256850.1); c.13282+26101G>A (NM_003319.4); c.13858+26101G>A (NM_133437.4); c.13657+26101G>A (NM_133432.3); c.24117G>A, p.Val8039= (NM_133378.4).
Identifiers: ClinVar variation 46801 (VCV000046801.13), dbSNP rs397517525, ClinGen allele CA139235.